The following is an entry in ClinVar:

ClinVar aggregate classification (germline): Uncertain significance. Review status: criteria provided, multiple submitters, no conflicts (2 of 4 stars). 2 submissions from 2 submitters: Uncertain significance (2). Last evaluated 2026-06-12.

Conditions:
Familial thoracic aortic aneurysm and aortic dissection (TAAD). Also called: Thoracic aortic aneurysms and dissections. Identifiers: Orphanet 91387, MedGen C4707243, MONDO:0019625.
Loeys-Dietz syndrome 4 (LDS4). Also called: ANEURYSM, AORTIC AND CEREBRAL, WITH ARTERIAL TORTUOSITY AND SKELETAL MANIFESTATIONS; TGFB2-Related Loeys-Dietz Syndrome. Identifiers: MedGen C3553762, MONDO:0013897, OMIM 614816.

Submissions (2):

Ambry Genetics
Classification: Uncertain significance for Familial thoracic aortic aneurysm and aortic dissection. Last evaluated: 2026-06-12. Review status: criteria provided, single submitter. Criteria: Ambry Variant Classification Scheme 2023. Collection method: clinical testing. Allele origin: germline.
Comment: The p.P227S variant (also known as c.679C>T), located in coding exon 4 of the TGFB2 gene, results from a C to T substitution at nucleotide position 679. The proline at codon 227 is replaced by serine, an amino acid with similar properties. This amino acid position is conserved. In addition, the in silico prediction for this alteration is inconclusive. Based on the available evidence, the clinical significance of this variant remains unclear.

Labcorp Genetics (formerly Invitae), Labcorp
Classification: Uncertain significance for Loeys-Dietz syndrome 4. Last evaluated: 2025-08-05. Review status: criteria provided, single submitter. Criteria: Invitae Variant Classification Sherloc (09022015). Collection method: clinical testing. Allele origin: germline.
Comment: This sequence change replaces proline, which is neutral and non-polar, with serine, which is neutral and polar, at codon 227 of the TGFB2 protein (p.Pro227Ser). This variant is not present in population databases (gnomAD no frequency). This variant has not been reported in the literature in individuals affected with TGFB2-related conditions. Invitae Evidence Modeling of protein sequence and biophysical properties (such as structural, functional, and spatial information, amino acid conservation, physicochemical variation, residue mobility, and thermodynamic stability) indicates that this missense variant is not expected to disrupt TGFB2 protein function with a negative predictive value of 80%. In summary, the available evidence is currently insufficient to determine the role of this variant in disease. Therefore, it has been classified as a Variant of Uncertain Significance.

NM_003238.6(TGFB2):c.679C>T (p.Pro227Ser)

Gene: TGFB2 (transforming growth factor beta 2; plus strand). Cytogenetic location: 1q41.
Variant type: single nucleotide variant.
Coding change: c.679C>T on transcript NM_003238.6 (MANE Select); coding-DNA position 679, C replaced by T.
Protein change: p.Pro227Ser; replaces proline 227 with serine.
Molecular consequence: missense variant. On other transcripts: non-coding transcript variant (2).
Genome position (GRCh38, 1-based): chr1:218,434,373, C>T. VCF-style: chr1-218434373-C-T. GRCh37 (hg19) VCF-style: chr1-218607715-C-T.
Other names: c.679C>T (NM_003238.3); c.763C>T, p.Pro255Ser (NM_001135599.4); short protein forms P227S, P255S.
Identifiers: ClinVar variation 4748376 (VCV004748376.2).